The following is an entry in ClinVar:

ClinVar aggregate classification (germline): Uncertain significance (1 of 4 stars; one submission).

Conditions:
Aortic aneurysm, familial thoracic 8 (AAT8). Identifiers: MedGen C3809513, MONDO:0014187, OMIM 615436.

gnomAD v4.1: 1 of 1,613,594 alleles (0.000062%); highest among the groups gnomAD compares: Non-Finnish European, 0.000085%; no homozygotes.

Submission:

Labcorp Genetics (formerly Invitae), Labcorp
Classification: Uncertain significance for Aortic aneurysm, familial thoracic 8. Last evaluated: 2024-05-21. Review status: criteria provided, single submitter. Criteria: Invitae Variant Classification Sherloc (09022015). Collection method: clinical testing. Allele origin: germline.
Comment: This sequence change replaces isoleucine, which is neutral and non-polar, with valine, which is neutral and non-polar, at codon 377 of the PRKG1 protein (p.Ile377Val). This variant is not present in population databases (gnomAD no frequency). This variant has not been reported in the literature in individuals affected with PRKG1-related conditions. An algorithm developed to predict the effect of missense changes on protein structure and function (PolyPhen-2) suggests that this variant is likely to be tolerated. In summary, the available evidence is currently insufficient to determine the role of this variant in disease. Therefore, it has been classified as a Variant of Uncertain Significance.

NM_006258.4(PRKG1):c.1129A>G (p.Ile377Val)

Gene: PRKG1 (protein kinase cGMP-dependent 1; plus strand). Cytogenetic location: 10q21.1.
Variant type: single nucleotide variant.
Coding change: c.1129A>G on transcript NM_006258.4 (MANE Select); coding-DNA position 1129, A replaced by G.
Protein change: p.Ile377Val; replaces isoleucine 377 with valine.
Molecular consequence: missense variant. On other transcripts: 5 prime UTR variant (1).
Genome position (GRCh38, 1-based): chr10:52,251,622, A>G. VCF-style: chr10-52251622-A-G. GRCh37 (hg19) VCF-style: chr10-54011382-A-G.
Other names: c.1084A>G, p.Ile362Val (NM_001098512.3); c.-81A>G (NM_001374781.1); short protein forms I377V, I362V.
Identifiers: ClinVar variation 3664174 (VCV003664174.2).